The following is an entry in ClinVar:

ClinVar aggregate classification (germline): Uncertain significance (1 of 4 stars; one submission).

Submission:

Labcorp Genetics (formerly Invitae), Labcorp
Classification: Uncertain significance. Last evaluated: 2022-10-27. Review status: criteria provided, single submitter. Criteria: Invitae Variant Classification Sherloc (09022015). Collection method: clinical testing. Allele origin: germline.
Comment: In summary, the available evidence is currently insufficient to determine the role of this variant in disease. Therefore, it has been classified as a Variant of Uncertain Significance. Algorithms developed to predict the effect of missense changes on protein structure and function (SIFT, PolyPhen-2, Align-GVGD) all suggest that this variant is likely to be disruptive. This variant has not been reported in the literature in individuals affected with CLCN5-related conditions. This variant is not present in population databases (gnomAD no frequency). This sequence change replaces leucine, which is neutral and non-polar, with arginine, which is basic and polar, at codon 225 of the CLCN5 protein (p.Leu225Arg).

NM_001127898.4(CLCN5):c.884T>G (p.Leu295Arg)

Gene: CLCN5 (chloride voltage-gated channel 5; plus strand). Cytogenetic location: Xp11.23.
Variant type: single nucleotide variant.
Coding change: c.884T>G on transcript NM_001127898.4 (MANE Select); coding-DNA position 884, T replaced by G.
Protein change: p.Leu295Arg; replaces leucine 295 with arginine.
Molecular consequence: missense variant.
Genome position (GRCh38, 1-based): chrX:50,081,798, T>G. VCF-style: chrX-50081798-T-G. GRCh37 (hg19) VCF-style: chrX-49846455-T-G.
Other names: c.674T>G, p.Leu225Arg (NM_000084.5); c.884T>G, p.Leu295Arg (NM_001127899.4); c.734T>G, p.Leu245Arg (NM_001282163.2); short protein forms L245R, L295R, L225R.
Identifiers: ClinVar variation 2129751 (VCV002129751.4), dbSNP rs273585645, ClinGen allele CA413184353.